The following is an entry in ClinVar:

ClinVar aggregate classification (germline): Uncertain significance (1 of 4 stars; one submission).

Conditions:
Werner syndrome (WRN). Identifiers: Orphanet 902, MedGen C0043119, MONDO:0010196, OMIM 277700.

Allele frequency attached by ClinVar (database versions not stated): gnomAD exomes below 0.00001.
gnomAD v4.1: 1 of 1,613,598 alleles (0.000062%); highest among the groups gnomAD compares: African/African-American, 0.0013%; no homozygotes.

Submission:

Labcorp Genetics (formerly Invitae), Labcorp
Classification: Uncertain significance for Werner syndrome. Last evaluated: 2022-10-19. Review status: criteria provided, single submitter. Criteria: Invitae Variant Classification Sherloc (09022015). Collection method: clinical testing. Allele origin: germline.
Comment: This sequence change falls in intron 20 of the WRN gene. It does not directly change the encoded amino acid sequence of the WRN protein. It affects a nucleotide within the consensus splice site. This variant is not present in population databases (gnomAD no frequency). This variant has not been reported in the literature in individuals affected with WRN-related conditions. ClinVar contains an entry for this variant (Variation ID: 1361788). Variants that disrupt the consensus splice site are a relatively common cause of aberrant splicing (PMID: 17576681, 9536098). Algorithms developed to predict the effect of sequence changes on RNA splicing suggest that this variant is not likely to affect RNA splicing. In summary, the available evidence is currently insufficient to determine the role of this variant in disease. Therefore, it has been classified as a Variant of Uncertain Significance.

Literature cited by the submitters: PubMed 17576681; PubMed 9536098.

NM_000553.6(WRN):c.2448+6A>G

Gene: WRN (WRN RecQ like helicase; plus strand). Cytogenetic location: 8p12.
Variant type: single nucleotide variant.
Coding change: c.2448+6A>G on transcript NM_000553.6 (MANE Select); 6 bases into the intron after coding-DNA position 2448, A replaced by G.
Molecular consequence: intron variant.
Genome position (GRCh38, 1-based): chr8:31,116,534, A>G. VCF-style: chr8-31116534-A-G. GRCh37 (hg19) VCF-style: chr8-30974050-A-G.
Identifiers: ClinVar variation 1361788 (VCV001361788.3), dbSNP rs2130306402, ClinGen allele CA2573142664.